The following is an entry in ClinVar:

ClinVar aggregate classification (germline): Conflicting classifications of pathogenicity. Review status: criteria provided, conflicting classifications (1 of 4 stars). 3 submissions from 3 submitters: Uncertain significance (1); Likely benign (1). 1 of the submissions does not count toward it. Last evaluated 2025-08-13.

Conditions:
Inborn genetic diseases. Identifiers: MedGen C0950123, MeSH D030342.
GRIA4-related disorder. Also called: GRIA4-related condition.

Allele frequency attached by ClinVar (database versions not stated): TOPMed 0.00003; gnomAD 0.00010; ExAC 0.00011.
gnomAD v4.1: 240 of 1,586,626 alleles (0.015%); highest among the groups gnomAD compares: Non-Finnish European, 0.017%; no homozygotes.

Submissions (3):

Ambry Genetics
Classification: Uncertain significance for Inborn genetic diseases. Last evaluated: 2025-08-13. Review status: criteria provided, single submitter. Criteria: Ambry Variant Classification Scheme 2023. Collection method: clinical testing. Allele origin: germline.

CeGaT Center for Human Genetics Tuebingen
Classification: Likely benign. Last evaluated: 2025-02-01. Review status: criteria provided, single submitter. Criteria: CeGaT Center For Human Genetics Tuebingen Variant Classification Criteria Version 2. Collection method: clinical testing. Allele origin: germline. Affected: yes. Observed: 2 variant alleles.
Comment: GRIA4: BP4

PreventionGenetics, part of Exact Sciences
Classification: Likely benign for GRIA4-related condition. Last evaluated: 2024-03-27. Review status: no assertion criteria provided. Collection method: clinical testing. Allele origin: germline. Not counted in ClinVar's aggregate classification.
Comment: This variant is classified as likely benign based on ACMG/AMP sequence variant interpretation guidelines (Richards et al. 2015 PMID: 25741868, with internal and published modifications).

NM_000829.4(GRIA4):c.817A>C (p.Ile273Leu)

Gene: GRIA4 (glutamate ionotropic receptor AMPA type subunit 4; plus strand). Cytogenetic location: 11q22.3.
Variant type: single nucleotide variant.
Coding change: c.817A>C on transcript NM_000829.4 (MANE Select); coding-DNA position 817, A replaced by C.
Protein change: p.Ile273Leu; replaces isoleucine 273 with leucine.
Molecular consequence: missense variant. On other transcripts: non-coding transcript variant (1).
Genome position (GRCh38, 1-based): chr11:105,898,359, A>C. VCF-style: chr11-105898359-A-C. GRCh37 (hg19) VCF-style: chr11-105769085-A-C.
Other names: c.817A>C, p.Ile273Leu (NM_001077243.3, NM_001077244.2, NM_001112812.2); c.817A>C (NM_000829.3); short protein forms I273L.
Identifiers: ClinVar variation 3067241 (VCV003067241.22), dbSNP rs765658446, ClinGen allele CA6258513.